The following is an entry in ClinVar:

NM_201384.3(PLEC):c.1514A>G (p.Gln505Arg)

Gene: PLEC (plectin; minus strand). Cytogenetic location: 8q24.3.
Variant type: single nucleotide variant.
Coding change: c.1514A>G on transcript NM_201384.3 (MANE Select); coding-DNA position 1514, A replaced by G.
Protein change: p.Gln505Arg; replaces glutamine 505 with arginine.
Molecular consequence: missense variant.
Genome position (GRCh38, 1-based): chr8:143,933,016, T>C on the plus strand (A>G on the coding strand, the complement: PLEC is on the minus strand). VCF-style: chr8-143933016-T-C. GRCh37 (hg19) VCF-style: chr8-145007184-T-C.
Other names: c.1595A>G, p.Gln532Arg (NM_000445.5, NM_001410941.1); c.1472A>G, p.Gln491Arg (NM_201378.4); c.1448A>G, p.Gln483Arg (NM_201379.3); c.1925A>G, p.Gln642Arg (NM_201380.4); c.1418A>G, p.Gln473Arg (NM_201381.3); c.1514A>G, p.Gln505Arg (NM_201382.4); c.1526A>G, p.Gln509Arg (NM_201383.3); short protein forms Q473R, Q483R, Q491R, Q505R, Q509R, Q532R, Q642R.
Identifiers: ClinVar variation 2420770 (VCV002420770.8), dbSNP rs2538864053, ClinGen allele CA372581221.

ClinVar aggregate classification (germline): Uncertain significance (1 of 4 stars; one submission).

Conditions:
Epidermolysis bullosa simplex 5B, with muscular dystrophy (EBS5B). Also called: Epidermolysis bullosa simplex with muscular dystrophy; EPIDERMOLYSIS BULLOSA SIMPLEX AND LIMB-GIRDLE MUSCULAR DYSTROPHY. Identifiers: Orphanet 257, MedGen C2931072, MONDO:0009181, OMIM 226670.
Epidermolysis bullosa simplex 5C, with pyloric atresia (EBS5C). Also called: PLEC-Related Epidermolysis Bullosa with Pyloric Atresia; Epidermolysis bullosa simplex with pyloric atresia; PLEC1-Related Epidermolysis Bullosa with Pyloric Atresia. Identifiers: Orphanet 158684, MedGen C2677349, MONDO:0012807, OMIM 612138.
Autosomal recessive limb-girdle muscular dystrophy type 2Q (LGMDR17). Also called: MUSCULAR DYSTROPHY, LIMB-GIRDLE, AUTOSOMAL RECESSIVE 17. Identifiers: Orphanet 254361, MedGen C3150989, MONDO:0013390, OMIM 613723.
Epidermolysis bullosa simplex with nail dystrophy (EBS5D). Identifiers: MedGen C4225309, MONDO:0014661, OMIM 616487.
Epidermolysis bullosa simplex, Ogna type (EBS5A). Also called: Pidermolysis bullosa simplex 5A, Ogna type; EPIDERMOLYSIS BULLOSA SIMPLEX 5A, OGNA TYPE. Identifiers: Orphanet 79401, MedGen C0432317, MONDO:0007555, OMIM 131950.

Allele frequency attached by ClinVar (database versions not stated): gnomAD exomes below 0.00001.
gnomAD v4.1: 1 of 1,603,892 alleles (0.000062%); highest among the groups gnomAD compares: Non-Finnish European, 0.000085%; no homozygotes.

Submission:

Labcorp Genetics (formerly Invitae), Labcorp
Classification: Uncertain significance for Autosomal recessive limb-girdle muscular dystrophy type 2Q; Epidermolysis bullosa simplex, Ogna type; Epidermolysis bullosa simplex with nail dystrophy; Epidermolysis bullosa simplex 5C, with pyloric atresia; Epidermolysis bullosa simplex 5B, with muscular dystrophy. Last evaluated: 2022-02-21. Review status: criteria provided, single submitter. Criteria: Invitae Variant Classification Sherloc (09022015). Collection method: clinical testing. Allele origin: germline.
Comment: This variant has not been reported in the literature in individuals affected with PLEC-related conditions. In summary, the available evidence is currently insufficient to determine the role of this variant in disease. Therefore, it has been classified as a Variant of Uncertain Significance. Algorithms developed to predict the effect of missense changes on protein structure and function are either unavailable or do not agree on the potential impact of this missense change (SIFT: "Tolerated"; PolyPhen-2: "Not Available"; Align-GVGD: "Class C0"). This variant is not present in population databases (gnomAD no frequency). This sequence change replaces glutamine, which is neutral and polar, with arginine, which is basic and polar, at codon 532 of the PLEC protein (p.Gln532Arg).